The following is an entry in ClinVar:

NM_000373.4(UMPS):c.*4278G>A

Gene: UMPS (uridine monophosphate synthetase; plus strand). Cytogenetic location: 3q21.2.
Variant type: single nucleotide variant.
Coding change: c.*4278G>A on transcript NM_000373.4 (MANE Select); 4278 bases downstream of the stop codon, G replaced by A.
Molecular consequence: 3 prime UTR variant. On other transcripts: non-coding transcript variant (2).
Genome position (GRCh38, 1-based): chr3:124,748,362, G>A. VCF-style: chr3-124748362-G-A. GRCh37 (hg19) VCF-style: chr3-124467209-G-A.
Identifiers: ClinVar variation 343027 (VCV000343027.5), dbSNP rs11927687, ClinGen allele CA2582157.
Genomic context (GRCh38, chr3:124,748,362, plus strand): 5'-GATGTAGAATGCCATATTTTTCTTAGATCATAGGGCCTTTCACATTTGTAATTTGGCCTT[G>A]TATGAGTTACCCTGCAATCCCTTTGTTTTCCCCATAACCCTTCCAAAGGAAGGCCGCAAT-3'

ClinVar aggregate classification (germline): Benign (1 of 4 stars; one submission).

Conditions:
Oroticaciduria. Also called: Orotic aciduria. Identifiers: Orphanet 30, MedGen C0268128, HP:0003218.

Allele frequency attached by ClinVar (database versions not stated): ExAC 0.22873; 1000 Genomes Project 0.24261; gnomAD exomes 0.27613 and 0.26517; 1000 Genomes Project 30x 0.24001; TOPMed 0.25502; gnomAD 0.24793.
gnomAD v4.1: 118,005 of 453,786 alleles (26%); highest among the groups gnomAD compares: East Asian, 35%; 16,339 homozygotes.

Submission:

Illumina Laboratory Services, Illumina
Classification: Benign for Hereditary orotic aciduria. Last evaluated: 2018-01-13. Review status: criteria provided, single submitter. Criteria: ICSL Variant Classification Criteria 13 December 2019. Collection method: clinical testing. Allele origin: germline.
Comment: This variant was observed in the ICSL laboratory as part of a predisposition screen in an ostensibly healthy population. It had not been previously curated by ICSL or reported in the Human Gene Mutation Database (HGMD: prior to June 1st, 2018), and was therefore a candidate for classification through an automated scoring system. Utilizing variant allele frequency, disease prevalence and penetrance estimates, and inheritance mode, an automated score was calculated to assess if this variant is too frequent to cause the disease. Based on the score and internal cut-off values, a variant classified as benign is not then subjected to further curation. The score for this variant resulted in a classification of benign for this disease.